The following is an entry in ClinVar:

ClinVar aggregate classification (germline): Uncertain significance. Review status: criteria provided, multiple submitters, no conflicts (2 of 4 stars). 2 submissions from 2 submitters: Uncertain significance (2). Last evaluated 2024-12-14.

Allele frequency attached by ClinVar (database versions not stated): gnomAD exomes 0.00001; ExAC 0.00002; TOPMed 0.00002.
gnomAD v4.1: 10 of 1,587,954 alleles (0.00063%); highest among the groups gnomAD compares: Admixed American, 0.0017%; no homozygotes.

Submissions (2):

Ambry Genetics
Classification: Uncertain significance. Last evaluated: 2024-12-14. Review status: criteria provided, single submitter. Criteria: Ambry Variant Classification Scheme 2023. Collection method: clinical testing. Allele origin: germline.

Labcorp Genetics (formerly Invitae), Labcorp
Classification: Uncertain significance. Last evaluated: 2022-05-28. Review status: criteria provided, single submitter. Criteria: Invitae Variant Classification Sherloc (09022015). Collection method: clinical testing. Allele origin: germline.
Comment: Algorithms developed to predict the effect of missense changes on protein structure and function (SIFT, PolyPhen-2, Align-GVGD) all suggest that this variant is likely to be tolerated. This variant has not been reported in the literature in individuals affected with NCKAP1L-related conditions. This variant is present in population databases (rs778514695, gnomAD 0.003%). This sequence change replaces serine, which is neutral and polar, with leucine, which is neutral and non-polar, at codon 37 of the NCKAP1L protein (p.Ser37Leu). In summary, the available evidence is currently insufficient to determine the role of this variant in disease. Therefore, it has been classified as a Variant of Uncertain Significance.

NM_005337.5(NCKAP1L):c.110C>T (p.Ser37Leu)

Gene: NCKAP1L (NCK associated protein 1 like; plus strand). Cytogenetic location: 12q13.13.
Variant type: single nucleotide variant.
Coding change: c.110C>T on transcript NM_005337.5 (MANE Select); coding-DNA position 110, C replaced by T.
Protein change: p.Ser37Leu; replaces serine 37 with leucine.
Molecular consequence: missense variant. On other transcripts: 5 prime UTR variant (1).
Genome position (GRCh38, 1-based): chr12:54,499,362, C>T. VCF-style: chr12-54499362-C-T. GRCh37 (hg19) VCF-style: chr12-54893146-C-T.
Other names: c.-41C>T (NM_001184976.2); c.110C>T (NM_005337.4); short protein forms S37L.
Identifiers: ClinVar variation 1950421 (VCV001950421.4), dbSNP rs778514695, ClinGen allele CA6608718.
Genomic context (GRCh38, chr12:54,499,362, plus strand): 5'-TGTTTCTGAGGAGGAGGAGAAAGGGTTGAAATATATATGGTTTCTCTCTGCAGACTTGTT[C>T]AGACCCCAAATCTAAGCCACCTTTCTTACTGGAAAAGTCCATGGAACCATCTCTCAAGTA-3'
Protein context (NP_005328.2, residues 27-47): IRMYNIKKTC[Ser37Leu]DPKSKPPFLL